The following is an entry in ClinVar:

NM_005751.5(AKAP9):c.8074G>A (p.Glu2692Lys)

Gene: AKAP9 (A-kinase anchoring protein 9; plus strand). Cytogenetic location: 7q21.2.
Variant type: single nucleotide variant.
Coding change: c.8074G>A on transcript NM_005751.5 (MANE Select); coding-DNA position 8074, G replaced by A.
Protein change: p.Glu2692Lys; replaces glutamic acid 2692 with lysine.
Molecular consequence: missense variant.
Genome position (GRCh38, 1-based): chr7:92,082,576, G>A. VCF-style: chr7-92082576-G-A. GRCh37 (hg19) VCF-style: chr7-91711890-G-A.
Other names: c.2719G>A, p.Glu907Lys (NM_001379277.1); c.8050G>A, p.Glu2684Lys (NM_147185.3); short protein forms E907K, E2692K, E2684K.
Identifiers: ClinVar variation 1358480 (VCV001358480.9), dbSNP rs749538379, ClinGen allele CA4337410.
Genomic context (GRCh38, chr7:92,082,576, plus strand): 5'-ATTCAGACAACTACTGAGCTATTTCATAGCAATGAAGAAAGTGGATTTTTTAATGAACTC[G>A]AGGCTCTTAGAGCTGAATCAGTGGCTACCAAAGCAGAACTTGCCAGTTATAAAGAAAAGG-3'
Protein context (NP_005742.4, residues 2682-2702): NEESGFFNEL[Glu2692Lys]ALRAESVATK

ClinVar aggregate classification (germline): Uncertain significance. Review status: criteria provided, multiple submitters, no conflicts (2 of 4 stars). 2 submissions from 2 submitters: Uncertain significance (2). Last evaluated 2024-12-13.

Conditions:
Cardiovascular phenotype. Identifiers: MedGen CN230736.
Long QT syndrome (LQTS). Identifiers: MedGen C0023976, MeSH D008133, MONDO:0002442. Disease mechanism: loss of function. Inheritance: Various modes of inheritance.

Allele frequency attached by ClinVar (database versions not stated): gnomAD exomes 0.00001 and 0.00002; ExAC 0.00002; TOPMed 0.00002; gnomAD 0.00003.
gnomAD v4.1: 17 of 1,613,678 alleles (0.0011%); highest among the groups gnomAD compares: Admixed American, 0.0017%; no homozygotes.

Submissions (2):

Ambry Genetics
Classification: Uncertain significance for Cardiovascular phenotype. Last evaluated: 2024-12-13. Review status: criteria provided, single submitter. Criteria: Ambry Variant Classification Scheme 2023. Collection method: clinical testing. Allele origin: germline.
Comment: The p.E2692K variant (also known as c.8074G>A), located in coding exon 32 of the AKAP9 gene, results from a G to A substitution at nucleotide position 8074. The glutamic acid at codon 2692 is replaced by lysine, an amino acid with similar properties. This amino acid position is conserved. In addition, this alteration is predicted to be tolerated by in silico analysis. Since supporting evidence is limited at this time, the clinical significance of this alteration remains unclear.

Labcorp Genetics (formerly Invitae), Labcorp
Classification: Uncertain significance for Long QT syndrome. Last evaluated: 2024-11-19. Review status: criteria provided, single submitter. Criteria: Invitae Variant Classification Sherloc (09022015). Collection method: clinical testing. Allele origin: germline.
Comment: This sequence change replaces glutamic acid, which is acidic and polar, with lysine, which is basic and polar, at codon 2692 of the AKAP9 protein (p.Glu2692Lys). This variant is present in population databases (rs749538379, gnomAD 0.004%). This variant has not been reported in the literature in individuals affected with AKAP9-related conditions. ClinVar contains an entry for this variant (Variation ID: 1358480). An algorithm developed to predict the effect of missense changes on protein structure and function outputs the following: PolyPhen-2: "Benign". The lysine amino acid residue is found in multiple mammalian species, which suggests that this missense change does not adversely affect protein function. In summary, the available evidence is currently insufficient to determine the role of this variant in disease. Therefore, it has been classified as a Variant of Uncertain Significance.